The following is an entry in ClinVar:

NM_002049.4(GATA1):c.265G>A (p.Gly89Arg)

Gene: GATA1 (GATA binding protein 1; plus strand). Cytogenetic location: Xp11.23.
Variant type: single nucleotide variant.
Coding change: c.265G>A on transcript NM_002049.4 (MANE Select); coding-DNA position 265, G replaced by A.
Protein change: p.Gly89Arg; replaces glycine 89 with arginine.
Molecular consequence: missense variant.
Genome position (GRCh38, 1-based): chrX:48,791,888, G>A. VCF-style: chrX-48791888-G-A. GRCh37 (hg19) VCF-style: chrX-48650295-G-A.
Other names: short protein forms G89R.
Identifiers: ClinVar variation 1999502 (VCV001999502.4), dbSNP rs2147306116, ClinGen allele CA412867762.

ClinVar aggregate classification (germline): Uncertain significance (1 of 4 stars; one submission).

Conditions:
Diamond-Blackfan anemia. Also called: Blackfan Diamond syndrome; Aregenerative anemia chronic congenital; Red cell aplasia, pure hereditary; Congenital hypoplastic anemia; Aase syndrome. Identifiers: Orphanet 124, MedGen C1260899, MeSH D029503, MONDO:0015253, HP:0004810.
GATA binding protein 1 related thrombocytopenia with dyserythropoiesis. Also called: GATA1-Related X-Linked Cytopenia; GATA1-Related Cytopenia. Identifiers: MedGen C1845837, MONDO:0100089.

Submission:

Labcorp Genetics (formerly Invitae), Labcorp
Classification: Uncertain significance for GATA binding protein 1 related thrombocytopenia with dyserythropoiesis; Diamond-Blackfan anemia. Last evaluated: 2022-05-27. Review status: criteria provided, single submitter. Criteria: Invitae Variant Classification Sherloc (09022015). Collection method: clinical testing. Allele origin: germline.
Comment: In summary, the available evidence is currently insufficient to determine the role of this variant in disease. Therefore, it has been classified as a Variant of Uncertain Significance. Algorithms developed to predict the effect of missense changes on protein structure and function are either unavailable or do not agree on the potential impact of this missense change (SIFT: "Tolerated"; PolyPhen-2: "Probably Damaging"; Align-GVGD: "Class C0"). This variant has not been reported in the literature in individuals affected with GATA1-related conditions. This variant is not present in population databases (gnomAD no frequency). This sequence change replaces glycine, which is neutral and non-polar, with arginine, which is basic and polar, at codon 89 of the GATA1 protein (p.Gly89Arg).